The following is an entry in ClinVar:

ClinVar aggregate classification (germline): Uncertain significance (1 of 4 stars; one submission).

Submission:

Labcorp Genetics (formerly Invitae), Labcorp
Classification: Uncertain significance. Last evaluated: 2022-11-22. Review status: criteria provided, single submitter. Criteria: Invitae Variant Classification Sherloc (09022015). Collection method: clinical testing. Allele origin: germline.
Comment: Advanced modeling of protein sequence and biophysical properties (such as structural, functional, and spatial information, amino acid conservation, physicochemical variation, residue mobility, and thermodynamic stability) performed at Invitae indicates that this missense variant is expected to disrupt SBF1 protein function. In summary, the available evidence is currently insufficient to determine the role of this variant in disease. Therefore, it has been classified as a Variant of Uncertain Significance. This variant has not been reported in the literature in individuals affected with SBF1-related conditions. This variant is not present in population databases (gnomAD no frequency). This sequence change replaces phenylalanine, which is neutral and non-polar, with leucine, which is neutral and non-polar, at codon 1509 of the SBF1 protein (p.Phe1509Leu).

NM_002972.4(SBF1):c.4525T>C (p.Phe1509Leu)

Gene: SBF1 (SET binding factor 1; minus strand). Cytogenetic location: 22q13.33.
Variant type: single nucleotide variant.
Coding change: c.4525T>C on transcript NM_002972.4 (MANE Select); coding-DNA position 4525, T replaced by C.
Protein change: p.Phe1509Leu; replaces phenylalanine 1509 with leucine.
Molecular consequence: missense variant.
Genome position (GRCh38, 1-based): chr22:50,455,253, A>G on the plus strand (T>C on the coding strand, the complement: SBF1 is on the minus strand). VCF-style: chr22-50455253-A-G. GRCh37 (hg19) VCF-style: chr22-50893682-A-G.
Other names: c.4450T>C, p.Phe1484Leu (NM_001365819.1); c.4528T>C, p.Phe1510Leu (NM_001410794.1); c.4447T>C, p.Phe1483Leu (NM_001410795.1); c.4525T>C, p.Phe1509Leu (NM_197971.1); short protein forms F1509L, F1484L, F1483L, F1510L.
Identifiers: ClinVar variation 2048912 (VCV002048912.4), dbSNP rs1451966500, ClinGen allele CA412195599.